The following is an entry in ClinVar:

NM_000135.4(FANCA):c.3293A>C (p.Glu1098Ala)

Gene: FANCA (FA complementation group A; minus strand). Cytogenetic location: 16q24.3.
Variant type: single nucleotide variant.
Coding change: c.3293A>C on transcript NM_000135.4 (MANE Select); coding-DNA position 3293, A replaced by C.
Protein change: p.Glu1098Ala; replaces glutamic acid 1098 with alanine.
Molecular consequence: missense variant.
Genome position (GRCh38, 1-based): chr16:89,748,714, T>G on the plus strand (A>C on the coding strand, the complement: FANCA is on the minus strand). VCF-style: chr16-89748714-T-G. GRCh37 (hg19) VCF-style: chr16-89815122-T-G.
Other names: c.3293A>C, p.Glu1098Ala (NM_001286167.3); short protein forms E1098A.
Identifiers: ClinVar variation 4022102 (VCV004022102.1).
Genomic context (GRCh38, chr16:89,748,714, plus strand): 5'-CCTACCATCTCAGAGTTGACCAAGTGGAAGAACTGCTCGCATCTGGCAGTGATGGGCTGT[T>G]CTGCCTGGAAGCTGCTGCCGCAGAGGACAGACGAAGGCAGGCGGAGGAGGATCCTGGAAA-3'
Protein context (NP_000126.2, residues 1088-1108): SVLCGSSFQA[Glu1098Ala]QPITARCEQF

ClinVar aggregate classification (germline): Uncertain significance (1 of 4 stars; one submission).

Conditions:
Inborn genetic diseases. Identifiers: MedGen C0950123, MeSH D030342.

Submission:

Ambry Genetics
Classification: Uncertain significance for Inborn genetic diseases. Last evaluated: 2025-03-22. Review status: criteria provided, single submitter. Criteria: Ambry Variant Classification Scheme 2023. Collection method: clinical testing. Allele origin: germline.
Comment: The p.E1098A variant (also known as c.3293A>C), located in coding exon 33 of the FANCA gene, results from an A to C substitution at nucleotide position 3293. The glutamic acid at codon 1098 is replaced by alanine, an amino acid with dissimilar properties. This amino acid position is conserved. In addition, this alteration is predicted to be tolerated by in silico analysis. Based on the available evidence, the clinical significance of this variant remains unclear.